The following is an entry in ClinVar:

NM_001349206.2(LPIN1):c.1323G>C (p.Met441Ile)

Gene: LPIN1 (lipin 1; plus strand). Cytogenetic location: 2p25.1.
Variant type: single nucleotide variant.
Coding change: c.1323G>C on transcript NM_001349206.2 (MANE Select); coding-DNA position 1323, G replaced by C.
Protein change: p.Met441Ile; replaces methionine 441 with isoleucine.
Molecular consequence: missense variant. On other transcripts: non-coding transcript variant (1).
Genome position (GRCh38, 1-based): chr2:11,783,887, G>C. VCF-style: chr2-11783887-G-C. GRCh37 (hg19) VCF-style: chr2-11924013-G-C.
Other names: c.1233G>C, p.Met411Ile (NM_001261427.3); c.1470G>C, p.Met490Ile (NM_001261428.3); c.1215G>C, p.Met405Ile (NM_001349199.2, NM_001349200.2, NM_001349201.2 and 1 more transcripts); c.1320G>C, p.Met440Ile (NM_001349202.2, NM_001349203.2); c.1323G>C, p.Met441Ile (NM_001349204.2, NM_001349205.2); c.1413G>C, p.Met471Ile (NM_001349207.2); c.1362G>C, p.Met454Ile (NM_001349208.2); short protein forms M405I, M411I, M440I, M441I, M454I, M471I, M490I.
Identifiers: ClinVar variation 4874582 (VCV004874582.2).

ClinVar aggregate classification (germline): Uncertain significance (1 of 4 stars; one submission).

Submission:

CeGaT Center for Human Genetics Tuebingen
Classification: Uncertain significance. Last evaluated: 2026-04-01. Review status: criteria provided, single submitter. Criteria: CeGaT Center For Human Genetics Tuebingen Variant Classification Criteria Version 2. Collection method: clinical testing. Allele origin: germline. Affected: yes. Observed: 1 variant allele.
Comment: LPIN1: PM2